The following is an entry in ClinVar:

NM_025215.6(PUS1):c.207C>G (p.Leu69=)

Gene: PUS1 (pseudouridine synthase 1; plus strand). Cytogenetic location: 12q24.33.
Variant type: single nucleotide variant.
Coding change: c.207C>G on transcript NM_025215.6 (MANE Select); coding-DNA position 207, C replaced by G.
Protein change: p.Leu69=; no amino-acid change (leucine 69 retained).
Molecular consequence: synonymous variant.
Genome position (GRCh38, 1-based): chr12:131,930,039, C>G. VCF-style: chr12-131930039-C-G. GRCh37 (hg19) VCF-style: chr12-132414584-C-G.
Other names: c.123C>G, p.Leu41= (NM_001002019.3, NM_001002020.3).
Identifiers: ClinVar variation 307698 (VCV000307698.25), dbSNP rs140067992, ClinGen allele CA6884025.

ClinVar aggregate classification (germline): Benign/Likely benign. Review status: criteria provided, multiple submitters, no conflicts (2 of 4 stars). 5 submissions from 5 submitters: Benign (1); Likely benign (2). 2 of the submissions do not count toward it. Last evaluated 2026-01-18.

Conditions:
PUS1-related disorder. Also called: PUS1-related condition.
Myopathy, lactic acidosis, and sideroblastic anemia. Also called: Mitochondrial myopathy and sideroblastic anemia; Myopathy with lactic acidosis and sideroblastic anemia. Identifiers: Orphanet 2598, MedGen C1838103, MONDO:0000863.

Allele frequency attached by ClinVar (database versions not stated): gnomAD 0.00009 and 0.00011; TOPMed 0.00010; ESP Exome Variant Server 0.00015; ExAC 0.00016; gnomAD exomes 0.00016.
gnomAD v4.1: 150 of 1,462,796 alleles (0.01%); highest among the groups gnomAD compares: South Asian, 0.079%; 1 homozygote.

Submissions (5):

Labcorp Genetics (formerly Invitae), Labcorp
Classification: Benign. Last evaluated: 2026-01-18. Review status: criteria provided, single submitter. Criteria: Invitae Variant Classification Sherloc (09022015). Collection method: clinical testing. Allele origin: germline.

Blueprint Genetics
Classification: Likely benign. Last evaluated: 2022-06-21. Review status: criteria provided, single submitter. Criteria: ACMG Guidelines, 2015. Collection method: clinical testing. Allele origin: germline.

GeneDx
Classification: Likely benign. Last evaluated: 2020-09-17. Review status: criteria provided, single submitter. Criteria: GeneDx Variant Classification Process June 2021. Collection method: clinical testing. Allele origin: germline. Affected: yes.

Natera, Inc.
Classification: Likely benign for Mitochondrial myopathy and sideroblastic anemia. Last evaluated: 2020-05-15. Review status: no assertion criteria provided. Collection method: clinical testing. Allele origin: germline. Not counted in ClinVar's aggregate classification.

PreventionGenetics, part of Exact Sciences
Classification: Likely benign for PUS1-related condition. Last evaluated: 2019-07-19. Review status: no assertion criteria provided. Collection method: clinical testing. Allele origin: germline. Not counted in ClinVar's aggregate classification.
Comment: This variant is classified as likely benign based on ACMG/AMP sequence variant interpretation guidelines (Richards et al. 2015 PMID: 25741868, with internal and published modifications).